The following is an entry in ClinVar:

ClinVar aggregate classification (germline): Pathogenic/Likely pathogenic. Review status: criteria provided, multiple submitters, no conflicts (2 of 4 stars). 7 submissions from 7 submitters: Pathogenic (4); Likely pathogenic (1). 2 of the submissions do not count toward it. Last evaluated 2025-08-27.

Conditions:
Tyrosinemia type II (TYRSN2). Also called: TAT DEFICIENCY; TYROSINE AMINOTRANSFERASE DEFICIENCY; TYROSINE TRANSAMINASE DEFICIENCY; KERATOSIS PALMOPLANTARIS WITH CORNEAL DYSTROPHY; OREGON TYPE TYROSINEMIA. Identifiers: Orphanet 28378, MedGen C0268487, MONDO:0010160, OMIM 276600.

Allele frequency attached by ClinVar (database versions not stated): gnomAD 0.00001; TOPMed below 0.00001; ExAC 0.00001; gnomAD exomes 0.00001.
gnomAD v4.1: 20 of 1,614,010 alleles (0.0012%); highest among the groups gnomAD compares: Non-Finnish European, 0.0015%; no homozygotes.

Submissions (7):

Myriad Genetics, Inc.
Classification: Likely pathogenic for Tyrosinemia type II. Last evaluated: 2025-08-27. Review status: criteria provided, single submitter. Criteria: Myriad Autosomal Dominant, Autosomal Recessive and X-Linked Classification Criteria (2023). Collection method: clinical testing. Allele origin: unknown.
Comment: NM_000353.2(TAT):c.1249C>T(R417*) is a nonsense variant classified as likely pathogenic in the context of tyrosinemia type II. R417* has been observed in cases with relevant disease (PMID: 1357662, 16917729, Rimawi_2018). Relevant functional assessments of this variant are available in the literature (PMID: 1357662). R417* has not been observed in referenced population frequency databases. In summary, NM_000353.2(TAT):c.1249C>T(R417*) is a nonsense variant in a gene where loss of function is a known mechanism of disease, is predicted to disrupt protein function, and has been observed more frequently in cases with the relevant disease than in healthy populations. Please note: this variant was assessed in the context of healthy population screening.

3billion
Classification: Pathogenic for Tyrosinemia type II. Last evaluated: 2024-08-27. Review status: criteria provided, single submitter. Criteria: ACMG Guidelines, 2015. Collection method: clinical testing. Allele origin: germline. Affected: yes.
Comment: The variant is observed at an extremely low frequency in the gnomAD v4.0.0 dataset (total allele frequency: 0.001%). Predicted Consequence/Location: Stop-gained (nonsense): predicted to result in a loss or disruption of normal protein function through protein truncation. The predicted truncated protein may be shortened by less than 10%. The variant has been reported to co-segregate with the disease in at least one similarly affected relative/individual in the same family or similarly affected unrelated family (PMID: 16917729). The variant has been reported at least twice as pathogenic with clinical assertions and evidence for the classification (ClinVar ID: VCV000000404 /PMID: 1357662). Therefore, this variant is classified as Pathogenic according to the recommendation of ACMG/AMP guideline.

Labcorp Genetics (formerly Invitae), Labcorp
Classification: Pathogenic for Tyrosinemia type II. Last evaluated: 2024-03-07. Review status: criteria provided, single submitter. Criteria: Invitae Variant Classification Sherloc (09022015). Collection method: clinical testing. Allele origin: germline.
Comment: This sequence change creates a premature translational stop signal (p.Arg417*) in the TAT gene. While this is not anticipated to result in nonsense mediated decay, it is expected to disrupt the last 38 amino acid(s) of the TAT protein. This variant is present in population databases (rs118203916, gnomAD 0.0009%). This premature translational stop signal has been observed in individuals with tyrosinemia type II (PMID: 1357662, 16917729). It has also been observed to segregate with disease in related individuals. ClinVar contains an entry for this variant (Variation ID: 404). Algorithms developed to predict the effect of variants on protein structure and function are not available or were not evaluated for this variant. Experimental studies have shown that this premature translational stop signal affects TAT function (PMID: 1357662). For these reasons, this variant has been classified as Pathogenic.

Fulgent Genetics
Classification: Pathogenic for Tyrosinemia type II. Last evaluated: 2024-01-13. Review status: criteria provided, single submitter. Criteria: ACMG Guidelines, 2015. Collection method: clinical testing. Allele origin: germline.

Juno Genomics, Hangzhou Juno Genomics, Inc
Classification: Pathogenic for Tyrosinemia type II. Review status: criteria provided, single submitter. Criteria: ACMG Guidelines, 2015. Collection method: clinical testing. Allele origin: germline.
Comment: Absent from controls (or at extremely low frequency if recessive) in Genome Aggregation Database.;Null variant in a gene where loss of function (LOF) is a known mechanism of disease.;For recessive disorders, detected in trans with a pathogenic variant.;Co-segregation with disease in multiple affected family members.;Patient's phenotype or family history is highly specific for a disease with a single genetic etiology.

Counsyl
Classification: Pathogenic for Tyrosinemia type II. Last evaluated: 2017-08-03. Review status: no assertion criteria provided. Collection method: clinical testing. Allele origin: unknown. Not counted in ClinVar's aggregate classification.

OMIM
Classification: Pathogenic for TYROSINEMIA, TYPE II. Last evaluated: 1992-10-01. Review status: no assertion criteria provided. Collection method: literature only. Allele origin: germline. Not counted in ClinVar's aggregate classification.

Literature cited by the submitters: PubMed 1357662 (cited by 5 submitters); PubMed 16917729 (cited by 3 submitters).

NM_000353.3(TAT):c.1249C>T (p.Arg417Ter)

Genes: TAT (tyrosine aminotransferase; minus strand), TAT-AS1 (TAT antisense RNA 1; plus strand). Cytogenetic location: 16q22.2.
Variant type: single nucleotide variant.
Coding change: c.1249C>T on transcript NM_000353.3 (MANE Select); coding-DNA position 1249, C replaced by T.
Protein change: p.Arg417Ter; replaces arginine 417 with a stop codon.
Molecular consequence: nonsense.
Genome position (GRCh38, 1-based): chr16:71,568,260, G>A on the plus strand (C>T on the coding strand, the complement: TAT is on the minus strand). VCF-style: chr16-71568260-G-A. GRCh37 (hg19) VCF-style: chr16-71602163-G-A.
Other names: short protein forms R417*.
Identifiers: ClinVar variation 404 (VCV000000404.18), dbSNP rs118203916, ClinGen allele CA114244.